The following is an entry in ClinVar:

ClinVar aggregate classification (germline): Uncertain significance (1 of 4 stars; one submission).

Conditions:
Inborn genetic diseases. Identifiers: MedGen C0950123, MeSH D030342.

Allele frequency attached by ClinVar (database versions not stated): gnomAD exomes 0.00001.
gnomAD v4.1: 5 of 1,613,938 alleles (0.00031%); highest among the groups gnomAD compares: Non-Finnish European, 0.00042%; no homozygotes.

Submission:

Ambry Genetics
Classification: Uncertain significance for Inborn genetic diseases. Last evaluated: 2024-07-26. Review status: criteria provided, single submitter. Criteria: Ambry Variant Classification Scheme 2023. Collection method: clinical testing. Allele origin: germline.
Comment: The p.I2011V variant (also known as c.6031A>G), located in coding exon 41 of the LRRK2 gene, results from an A to G substitution at nucleotide position 6031. The isoleucine at codon 2011 is replaced by valine, an amino acid with highly similar properties. This amino acid position is conserved. In addition, this alteration is predicted to be tolerated by in silico analysis. Since supporting evidence is limited at this time, the clinical significance of this alteration remains unclear.

NM_198578.4(LRRK2):c.6031A>G (p.Ile2011Val)

Gene: LRRK2 (leucine rich repeat kinase 2; plus strand). Cytogenetic location: 12q12.
Variant type: single nucleotide variant.
Coding change: c.6031A>G on transcript NM_198578.4 (MANE Select); coding-DNA position 6031, A replaced by G.
Protein change: p.Ile2011Val; replaces isoleucine 2011 with valine.
Molecular consequence: missense variant.
Genome position (GRCh38, 1-based): chr12:40,340,376, A>G. VCF-style: chr12-40340376-A-G. GRCh37 (hg19) VCF-style: chr12-40734178-A-G.
Other names: short protein forms I2011V.
Identifiers: ClinVar variation 1751185 (VCV001751185.3), dbSNP rs2499948127, ClinGen allele CA384403869.